The following is an entry in ClinVar:

NM_153240.5(NPHP3):c.3111C>G (p.Tyr1037Ter)

Genes: NPHP3 (nephrocystin 3; minus strand), NPHP3-ACAD11 (NPHP3-ACAD11 readthrough (NMD candidate); minus strand). Cytogenetic location: 3q22.1.
Variant type: single nucleotide variant.
Coding change: c.3111C>G on transcript NM_153240.5 (MANE Select); coding-DNA position 3111, C replaced by G.
Protein change: p.Tyr1037Ter; replaces tyrosine 1037 with a stop codon.
Molecular consequence: nonsense. On other transcripts: non-coding transcript variant (1).
Genome position (GRCh38, 1-based): chr3:132,688,664, G>C on the plus strand (C>G on the coding strand, the complement: NPHP3 is on the minus strand). VCF-style: chr3-132688664-G-C. GRCh37 (hg19) VCF-style: chr3-132407508-G-C.
Other names: short protein forms Y1037*.
Identifiers: ClinVar variation 949269 (VCV000949269.9), dbSNP rs1007848349, ClinGen allele CA83584647.

ClinVar aggregate classification (germline): Pathogenic/Likely pathogenic. Review status: criteria provided, multiple submitters, no conflicts (2 of 4 stars). 2 submissions from 2 submitters: Pathogenic (1); Likely pathogenic (1). Last evaluated 2022-09-20.

Conditions:
Nephronophthisis. Also called: Juvenile Nephronophthisis. Identifiers: Orphanet 655, MedGen C0687120, MONDO:0019005, HP:0000090.
Joubert syndrome and related disorders. Identifiers: Orphanet 140874, MedGen C5679612, MONDO:0015369.

Allele frequency attached by ClinVar (database versions not stated): gnomAD exomes below 0.00001; gnomAD 0.00001; TOPMed 0.00001.

Submissions (2):

Women's Health and Genetics/Laboratory Corporation of America, LabCorp
Classification: Likely pathogenic for Joubert syndrome and related disorders. Last evaluated: 2022-09-20. Review status: criteria provided, single submitter. Criteria: LabCorp Variant Classification Summary - May 2015. Collection method: clinical testing. Allele origin: germline.
Comment: Variant summary: NPHP3 c.3111C>G (p.Tyr1037X) results in a premature termination codon, predicted to cause a truncation of the encoded protein or absence of the protein due to nonsense mediated decay, which are commonly known mechanisms for disease. Truncations downstream of this position have been classified as pathogenic in ClinVar database. The variant was absent in 250172 control chromosomes (gnomAD). To our knowledge, no occurrence of c.3111C>G in individuals affected with Joubert Syndrome And Related Disorders and no experimental evidence demonstrating its impact on protein function have been reported. One ClinVar submitter (evaluation after 2014) cites the variant as pathogenic. Based on the evidence outlined above, the variant was classified as likely pathogenic.

Labcorp Genetics (formerly Invitae), Labcorp
Classification: Pathogenic for Nephronophthisis. Last evaluated: 2022-06-04. Review status: criteria provided, single submitter. Criteria: Invitae Variant Classification Sherloc (09022015). Collection method: clinical testing. Allele origin: germline.
Comment: For these reasons, this variant has been classified as Pathogenic. This sequence change creates a premature translational stop signal (p.Tyr1037*) in the NPHP3 gene. It is expected to result in an absent or disrupted protein product. Loss-of-function variants in NPHP3 are known to be pathogenic (PMID: 18371931, 23559409). This variant is not present in population databases (gnomAD no frequency). This variant has not been reported in the literature in individuals affected with NPHP3-related conditions. ClinVar contains an entry for this variant (Variation ID: 949269). Algorithms developed to predict the effect of sequence changes on RNA splicing suggest that this variant may create or strengthen a splice site.

Literature cited by the submitters: PubMed 18371931 (cited by Labcorp Genetics (formerly Invitae), Labcorp); PubMed 23559409 (cited by Labcorp Genetics (formerly Invitae), Labcorp).